The following is an entry in ClinVar:

ClinVar aggregate classification (germline): Likely benign (1 of 4 stars; one submission).

gnomAD v4.1: 92 of 641,096 alleles (0.014%); highest among the groups gnomAD compares: African/African-American, 0.12%; 1 homozygote.

Submission:

Mayo Clinic Laboratories, Mayo Clinic
Classification: Likely benign. Last evaluated: 2024-12-08. Review status: criteria provided, single submitter. Criteria: ACMG Guidelines, 2015. Collection method: clinical testing. Allele origin: germline. Observed: 2 variant alleles.
Comment: BP4, BP7

NM_003104.6(SORD):c.843C>T (p.Thr281=)

Gene: SORD (sorbitol dehydrogenase; plus strand). Cytogenetic location: 15q21.1.
Variant type: single nucleotide variant.
Coding change: c.843C>T on transcript NM_003104.6 (MANE Select); coding-DNA position 843, C replaced by T.
Protein change: p.Thr281=; no amino-acid change (threonine 281 retained).
Molecular consequence: synonymous variant. On other transcripts: non-coding transcript variant (1).
Genome position (GRCh38, 1-based): chr15:45,072,373, C>T. VCF-style: chr15-45072373-C-T. GRCh37 (hg19) VCF-style: chr15-45364571-C-T.
Other names: p.Thr281=.
Identifiers: ClinVar variation 4683975 (VCV004683975.1).